The following is an entry in ClinVar:

ClinVar aggregate classification (germline): Pathogenic (1 of 4 stars; one submission).

Submission:

Labcorp Genetics (formerly Invitae), Labcorp
Classification: Pathogenic. Last evaluated: 2023-05-28. Review status: criteria provided, single submitter. Criteria: Invitae Variant Classification Sherloc (09022015). Collection method: clinical testing. Allele origin: germline.
Comment: This variant is present in population databases (no rsID available, gnomAD 0.01%). This variant has not been reported in the literature in individuals affected with TYRP1-related conditions. For these reasons, this variant has been classified as Pathogenic. This sequence change creates a premature translational stop signal (p.Cys110Trpfs*13) in the TYRP1 gene. It is expected to result in an absent or disrupted protein product. Loss-of-function variants in TYRP1 are known to be pathogenic (PMID: 8651291, 9345097).

Literature cited by the submitters: PubMed 8651291; PubMed 9345097.

NM_000550.3(TYRP1):c.330_331del (p.Cys110fs)

Gene: TYRP1 (tyrosinase related protein 1; plus strand). Cytogenetic location: 9p23.
Variant type: Microsatellite.
Coding change: c.330_331del on transcript NM_000550.3 (MANE Select); coding-DNA positions 330 to 331, 2 bases deleted (TG; older notation c.330_331delTG).
Protein change: p.Cys110fs; shifts the reading frame from cysteine 110.
Molecular consequence: frameshift variant.
Genome position (GRCh38, 1-based): chr9:12,694,326-12,694,327, TG deleted; deleting any 2 consecutive bases within chr9:12,694,324-12,694,327 gives the same sequence; the c. name uses the placement nearest the transcript's 3' end. VCF-style (leftmost placement, unchanged base first): chr9-12694323-CTG-C. GRCh37 (hg19) VCF-style: chr9-12694323-CTG-C.
Other names: short protein forms C110fs.
Identifiers: ClinVar variation 2876818 (VCV002876818.3), dbSNP rs887390037, ClinGen allele CA189305116.